The following is an entry in ClinVar:

NM_000329.3(RPE65):c.220G>A (p.Glu74Lys)

Gene: RPE65 (retinoid isomerohydrolase RPE65; minus strand). Cytogenetic location: 1p31.3.
Variant type: single nucleotide variant.
Coding change: c.220G>A on transcript NM_000329.3 (MANE Select); coding-DNA position 220, G replaced by A.
Protein change: p.Glu74Lys; replaces glutamic acid 74 with lysine.
Molecular consequence: missense variant.
Genome position (GRCh38, 1-based): chr1:68,446,735, C>T on the plus strand (G>A on the coding strand, the complement: RPE65 is on the minus strand). VCF-style: chr1-68446735-C-T. GRCh37 (hg19) VCF-style: chr1-68912418-C-T.
Other names: short protein forms E74K.
Identifiers: ClinVar variation 1437806 (VCV001437806.9), dbSNP rs2100831197, ClinGen allele CA340748935.

ClinVar aggregate classification (germline): Uncertain significance. Review status: criteria provided, single submitter (1 of 4 stars). 2 submissions from 2 submitters: Uncertain significance (1). 1 of the submissions does not count toward it. Last evaluated 2025-09-23.

Conditions:
Retinal dystrophy. Also called: Inherited retinal dystrophy. Identifiers: Orphanet 71862, MedGen C0854723, MeSH D058499, MONDO:0019118, HP:0000556.
Retinitis pigmentosa 20 (RP20). Identifiers: Orphanet 791, MedGen C3151086, MONDO:0013425, OMIM 613794.
Leber congenital amaurosis 2 (LCA2). Also called: Autosomal Recessive RPE65-Related Retinal Degeneration; AMAUROSIS CONGENITA OF LEBER II. Identifiers: Orphanet 65, MedGen C1859844, MONDO:0008765, OMIM 204100. Disease mechanism: loss of function.

Submissions (2):

Labcorp Genetics (formerly Invitae), Labcorp
Classification: Uncertain significance for Leber congenital amaurosis 2; Retinitis pigmentosa 20. Last evaluated: 2025-09-23. Review status: criteria provided, single submitter. Criteria: Invitae Variant Classification Sherloc (09022015). Collection method: clinical testing. Allele origin: germline.
Comment: This sequence change replaces glutamic acid, which is acidic and polar, with lysine, which is basic and polar, at codon 74 of the RPE65 protein (p.Glu74Lys). This variant is not present in population databases (gnomAD no frequency). This variant has not been reported in the literature in individuals affected with RPE65-related conditions. ClinVar contains an entry for this variant (Variation ID: 1437806). Invitae Evidence Modeling of protein sequence and biophysical properties (such as structural, functional, and spatial information, amino acid conservation, physicochemical variation, residue mobility, and thermodynamic stability) indicates that this missense variant is not expected to disrupt RPE65 protein function with a negative predictive value of 80%. In summary, the available evidence is currently insufficient to determine the role of this variant in disease. Therefore, it has been classified as a Variant of Uncertain Significance.

Institute of Human Genetics, Univ. Regensburg, Univ. Regensburg
Classification: Uncertain significance for Retinal dystrophy. Last evaluated: 2022-01-01. Review status: no assertion criteria provided. Criteria: ACMG Guidelines, 2015. Collection method: clinical testing. Allele origin: germline. Affected: yes. Not counted in ClinVar's aggregate classification.